The following is an entry in ClinVar:

ClinVar aggregate classification (germline): Likely benign. Review status: criteria provided, multiple submitters, no conflicts (2 of 4 stars). 2 submissions from 2 submitters: Likely benign (2). Last evaluated 2025-11-18.

Conditions:
Hereditary leiomyomatosis and renal cell cancer. Also called: MULTIPLE CUTANEOUS AND UTERINE LEIOMYOMATA 1, WITH OR WITHOUT RENAL CELL CARCINOMA; LEIOMYOMA, MULTIPLE CUTANEOUS; FH tumor predisposition syndrome; Reed syndrome; Multiple cutaneous and uterine leiomyomatosis; Cutaneous leiomyomata with uterine leiomyomata. Identifiers: Orphanet 523, MedGen C1708350, MONDO:0007888, OMIM 150800, HP:0007437. Disease mechanism: loss of function.

gnomAD v4.1: 1 of 1,613,814 alleles (0.000062%); highest among the groups gnomAD compares: Non-Finnish European, 0.000085%; no homozygotes.

Submissions (2):

Labcorp Genetics (formerly Invitae), Labcorp
Classification: Likely benign. Last evaluated: 2025-11-18. Review status: criteria provided, single submitter. Criteria: Invitae Variant Classification Sherloc (09022015). Collection method: clinical testing. Allele origin: germline.

Myriad Genetics, Inc.
Classification: Likely benign for Hereditary leiomyomatosis and renal cell cancer. Last evaluated: 2024-10-21. Review status: criteria provided, single submitter. Criteria: Myriad Autosomal Dominant, Autosomal Recessive and X-Linked Classification Criteria (2023). Collection method: clinical testing. Allele origin: unknown.
Comment: This variant is considered likely benign. This variant is intronic and is not expected to impact mRNA splicing.

NM_000143.4(FH):c.1391-16T>C

Gene: FH (fumarate hydratase; minus strand). Cytogenetic location: 1q43.
Variant type: single nucleotide variant.
Coding change: c.1391-16T>C on transcript NM_000143.4 (MANE Select); 16 bases into the intron before coding-DNA position 1391, T replaced by C.
Molecular consequence: intron variant.
Genome position (GRCh38, 1-based): chr1:241,497,986, A>G on the plus strand (T>C on the coding strand, the complement: FH is on the minus strand). VCF-style: chr1-241497986-A-G. GRCh37 (hg19) VCF-style: chr1-241661286-A-G.
Identifiers: ClinVar variation 3773131 (VCV003773131.2).